The following is an entry in ClinVar:

NM_000138.5(FBN1):c.2699A>G (p.Tyr900Cys)

Gene: FBN1 (fibrillin 1; minus strand). Cytogenetic location: 15q21.1.
Variant type: single nucleotide variant.
Coding change: c.2699A>G on transcript NM_000138.5 (MANE Select); coding-DNA position 2699, A replaced by G.
Protein change: p.Tyr900Cys; replaces tyrosine 900 with cysteine.
Molecular consequence: missense variant.
Genome position (GRCh38, 1-based): chr15:48,494,233, T>C on the plus strand (A>G on the coding strand, the complement: FBN1 is on the minus strand). VCF-style: chr15-48494233-T-C. GRCh37 (hg19) VCF-style: chr15-48786430-T-C.
Other names: c.2699A>G, p.Tyr900Cys (NM_001406716.1); short protein forms Y900C.
Identifiers: ClinVar variation 3751676 (VCV003751676.2).
Genomic context (GRCh38, chr15:48,494,233, plus strand): 5'-AAATGTATGGTTTATAAGTAATCAGAAATACCTTCACATTGTGTTCCTTTAATTCTTGAG[T>C]ACCCTTTACCACATATGGGATCTGTAATAAAAAGCGAAAAACAAAACAGAAAACAAATTT-3'
Protein context (NP_000129.3, residues 890-910): CQVDPICGKG[Tyr900Cys]SRIKGTQCED

ClinVar aggregate classification (germline): Uncertain significance (1 of 4 stars; one submission).

Conditions:
Marfan syndrome (MFS). Also called: MARFAN SYNDROME, TYPE I; Marfan syndrome type 1; Marfan's syndrome; Marfan syndrome, classic; FBN1-Related Marfan Syndrome. Identifiers: Orphanet 284963, Orphanet 558, MedGen C0024796, MONDO:0007947, OMIM 154700.
Familial thoracic aortic aneurysm and aortic dissection (TAAD). Also called: Thoracic aortic aneurysms and dissections. Identifiers: Orphanet 91387, MedGen C4707243, MONDO:0019625.

Submission:

Labcorp Genetics (formerly Invitae), Labcorp
Classification: Uncertain significance for Marfan syndrome; Familial thoracic aortic aneurysm and aortic dissection. Last evaluated: 2024-03-21. Review status: criteria provided, single submitter. Criteria: Invitae Variant Classification Sherloc (09022015). Collection method: clinical testing. Allele origin: germline.
Comment: This sequence change replaces tyrosine, which is neutral and polar, with cysteine, which is neutral and slightly polar, at codon 900 of the FBN1 protein (p.Tyr900Cys). This variant is not present in population databases (gnomAD no frequency). This variant has not been reported in the literature in individuals affected with FBN1-related conditions. Advanced modeling of protein sequence and biophysical properties (such as structural, functional, and spatial information, amino acid conservation, physicochemical variation, residue mobility, and thermodynamic stability) has been performed at Invitae for this missense variant, however the output from this modeling did not meet the statistical confidence thresholds required to predict the impact of this variant on FBN1 protein function. In summary, the available evidence is currently insufficient to determine the role of this variant in disease. Therefore, it has been classified as a Variant of Uncertain Significance.